The following is an entry in ClinVar:

NM_032043.3(BRIP1):c.1865C>T (p.Ser622Phe)

Gene: BRIP1 (BRCA1 interacting DNA helicase 1; minus strand). Cytogenetic location: 17q23.2.
Variant type: single nucleotide variant.
Coding change: c.1865C>T on transcript NM_032043.3 (MANE Select); coding-DNA position 1865, C replaced by T.
Protein change: p.Ser622Phe; replaces serine 622 with phenylalanine.
Molecular consequence: missense variant.
Genome position (GRCh38, 1-based): chr17:61,780,331, G>A on the plus strand (C>T on the coding strand, the complement: BRIP1 is on the minus strand). VCF-style: chr17-61780331-G-A. GRCh37 (hg19) VCF-style: chr17-59857692-G-A.
Other names: short protein forms S622F.
Identifiers: ClinVar variation 849216 (VCV000849216.13), dbSNP rs2077596312, ClinGen allele CA400480083.
Genomic context (GRCh38, chr17:61,780,331, plus strand): 5'-TTAATGATATGATTAGCCTCCAGCTGGATAGTAAATGTAACACCAAGTTCTGACGAAAAG[G>A]ATTTCATTGGTGATAATGTACCAGATGTCAAAACAATGGTCTGAACTTTGCCATTAATAT-3'
Protein context (NP_114432.2, residues 612-632): LTSGTLSPMK[Ser622Phe]FSSELGVTFT

ClinVar aggregate classification (germline): Uncertain significance. Review status: criteria provided, multiple submitters, no conflicts (2 of 4 stars). 2 submissions from 2 submitters: Uncertain significance (2). Last evaluated 2020-02-20.

Conditions:
Familial cancer of breast. Also called: hereditary breast carcinoma; BREAST CANCER, FAMILIAL; Hereditary breast cancer. Identifiers: Orphanet 227535, MedGen C0346153, MONDO:0016419, OMIM 114480. Disease mechanism: loss of function.
Fanconi anemia complementation group J. Also called: BRIP1-Related Fanconi Anemia. Identifiers: Orphanet 84, MedGen C1836860, MONDO:0012187, OMIM 609054.
Hereditary cancer-predisposing syndrome. Also called: Neoplastic Syndromes, Hereditary; Hereditary Cancer Syndrome; Hereditary neoplastic syndrome; Tumor predisposition. Identifiers: Orphanet 140162, MedGen C0027672, MeSH D009386, MONDO:0015356.

Submissions (2):

Ambry Genetics
Classification: Uncertain significance for Hereditary cancer-predisposing syndrome. Last evaluated: 2020-02-20. Review status: criteria provided, single submitter. Criteria: Ambry Variant Classification Scheme 2023. Collection method: clinical testing. Allele origin: germline.
Comment: The p.S622F variant (also known as c.1865C>T), located in coding exon 12 of the BRIP1 gene, results from a C to T substitution at nucleotide position 1865. The serine at codon 622 is replaced by phenylalanine, an amino acid with highly dissimilar properties. This amino acid position is highly conserved in available vertebrate species. In addition, this alteration is predicted to be deleterious by in silico analysis. Since supporting evidence is limited at this time, the clinical significance of this alteration remains unclear.

Labcorp Genetics (formerly Invitae), Labcorp
Classification: Uncertain significance for Familial cancer of breast; Fanconi anemia complementation group J. Last evaluated: 2019-11-17. Review status: criteria provided, single submitter. Criteria: Invitae Variant Classification Sherloc (09022015). Collection method: clinical testing. Allele origin: germline.
Comment: This sequence change replaces serine with phenylalanine at codon 622 of the BRIP1 protein (p.Ser622Phe). The serine residue is highly conserved and there is a large physicochemical difference between serine and phenylalanine. In summary, the available evidence is currently insufficient to determine the role of this variant in disease. Therefore, it has been classified as a Variant of Uncertain Significance. Algorithms developed to predict the effect of missense changes on protein structure and function are either unavailable or do not agree on the potential impact of this missense change (SIFT: "Deleterious"; PolyPhen-2: "Probably Damaging"; Align-GVGD: "Class C15"). This variant has not been reported in the literature in individuals with BRIP1-related conditions. This variant is not present in population databases (ExAC no frequency).